The following is an entry in ClinVar:

NC_000005.9:g.(?_32355866)_(32786451_?)dup

Genes: SUB1 (SUB1 regulator of transcription; plus strand), NPR3 (natriuretic peptide receptor 3; plus strand), ZFR (zinc finger RNA binding protein; minus strand). Cytogenetic location: 5p13.3.
Variant type: Duplication.
Identifiers: ClinVar variation 2423435 (VCV002423435.2).

ClinVar aggregate classification (germline): Uncertain significance (1 of 4 stars; one submission).

Submission:

Labcorp Genetics (formerly Invitae), Labcorp
Classification: Uncertain significance. Last evaluated: 2022-02-20. Review status: criteria provided, single submitter. Criteria: Invitae Variant Classification Sherloc (09022015). Collection method: clinical testing. Allele origin: germline.
Comment: A copy number gain of the genomic region encompassing the full coding sequence of the NPR3 gene has been identified. The boundaries of this event are unknown as they extend beyond the assayed region for this gene and therefore may encompass additional genes. As the precise location of this event is unknown, it may be in tandem or it may be located elsewhere in the genome. This variant has not been reported in the literature in individuals affected with NPR3-related conditions. In summary, the available evidence is currently insufficient to determine the role of this variant in disease. Therefore, it has been classified as a Variant of Uncertain Significance.